The following is an entry in ClinVar:

NM_032482.3(DOT1L):c.4284C>A (p.Ile1428=)

Gene: DOT1L (DOT1 like histone lysine methyltransferase; plus strand). Cytogenetic location: 19p13.3.
Variant type: single nucleotide variant.
Coding change: c.4284C>A on transcript NM_032482.3 (MANE Select); coding-DNA position 4284, C replaced by A.
Protein change: p.Ile1428=; no amino-acid change (isoleucine 1428 retained).
Molecular consequence: synonymous variant.
Genome position (GRCh38, 1-based): chr19:2,226,805, C>A. VCF-style: chr19-2226805-C-A. GRCh37 (hg19) VCF-style: chr19-2226804-C-A.
Other names: c.4284C>A, p.Ile1428= (NM_001411141.1).
Identifiers: ClinVar variation 3898398 (VCV003898398.7).

ClinVar aggregate classification (germline): Likely benign (1 of 4 stars; one submission).

Submission:

CeGaT Center for Human Genetics Tuebingen
Classification: Likely benign. Last evaluated: 2025-04-01. Review status: criteria provided, single submitter. Criteria: CeGaT Center For Human Genetics Tuebingen Variant Classification Criteria Version 2. Collection method: clinical testing. Allele origin: germline. Affected: yes. Observed: 1 variant allele.
Comment: DOT1L: PM2:Supporting, BP4, BP7